The following is an entry in ClinVar:

NM_024589.3(ROGDI):c.413C>G (p.Thr138Arg)

Gene: ROGDI (rogdi atypical leucine zipper; minus strand). Cytogenetic location: 16p13.3.
Variant type: single nucleotide variant.
Coding change: c.413C>G on transcript NM_024589.3 (MANE Select); coding-DNA position 413, C replaced by G.
Protein change: p.Thr138Arg; replaces threonine 138 with arginine.
Molecular consequence: missense variant. On other transcripts: non-coding transcript variant (1).
Genome position (GRCh38, 1-based): chr16:4,799,705, G>C on the plus strand (C>G on the coding strand, the complement: ROGDI is on the minus strand). VCF-style: chr16-4799705-G-C. GRCh37 (hg19) VCF-style: chr16-4849706-G-C.
Other names: short protein forms T138R.
Identifiers: ClinVar variation 1435128 (VCV001435128.7), dbSNP rs540638420, ClinGen allele CA394653226.
Genomic context (GRCh38, chr16:4,799,705, plus strand): 5'-CGTGGGACTAGGCCCAGGAGTCAGGCCCGGGGGCAGCTCACCTTGAGGACCTCAGCGCCC[G>C]TCTTGAACTGGTAGCTCTGGTCCCGGCTGGTAAGCAGGTAAATGGCTTGGCTCACATGGT-3'
Protein context (NP_078865.1, residues 128-148): TSRDQSYQFK[Thr138Arg]GAEVLKLMDA

ClinVar aggregate classification (germline): Uncertain significance (1 of 4 stars; one submission).

Conditions:
Amelocerebrohypohidrotic syndrome (KTZS). Also called: Kohlschutter's syndrome; EPILEPSY AND YELLOW TEETH; EPILEPSY, DEMENTIA, AND AMELOGENESIS IMPERFECTA; KOHLSCHUTTER SYNDROME. Identifiers: Orphanet 1946, MedGen C0406740, MONDO:0009185, OMIM 226750.

gnomAD v4.1: 5 of 1,613,418 alleles (0.00031%); highest among the groups gnomAD compares: Non-Finnish European, 0.00042%; no homozygotes.

Submission:

Labcorp Genetics (formerly Invitae), Labcorp
Classification: Uncertain significance for Amelocerebrohypohidrotic syndrome. Last evaluated: 2022-02-05. Review status: criteria provided, single submitter. Criteria: Invitae Variant Classification Sherloc (09022015). Collection method: clinical testing. Allele origin: germline.
Comment: Algorithms developed to predict the effect of missense changes on protein structure and function (SIFT, PolyPhen-2, Align-GVGD) all suggest that this variant is likely to be disruptive. This variant has not been reported in the literature in individuals affected with ROGDI-related conditions. This variant is not present in population databases (gnomAD no frequency). This sequence change replaces threonine, which is neutral and polar, with arginine, which is basic and polar, at codon 138 of the ROGDI protein (p.Thr138Arg). In summary, the available evidence is currently insufficient to determine the role of this variant in disease. Therefore, it has been classified as a Variant of Uncertain Significance.